The following is an entry in ClinVar:

ClinVar aggregate classification (germline): Uncertain significance (1 of 4 stars; one submission).

Allele frequency attached by ClinVar (database versions not stated): TOPMed 0.00001.
gnomAD v4.1: 5 of 1,613,678 alleles (0.00031%); highest among the groups gnomAD compares: African/African-American, 0.0013%; no homozygotes.

Submission:

Labcorp Genetics (formerly Invitae), Labcorp
Classification: Uncertain significance. Last evaluated: 2024-07-19. Review status: criteria provided, single submitter. Criteria: Invitae Variant Classification Sherloc (09022015). Collection method: clinical testing. Allele origin: germline.
Comment: This sequence change creates a premature translational stop signal (p.Arg848*) in the ADGRA3 gene. It is expected to result in an absent or disrupted protein product. However, the current clinical and genetic evidence is not sufficient to establish whether loss-of-function variants in ADGRA3 cause disease. This variant is not present in population databases (gnomAD no frequency). This variant has not been reported in the literature in individuals affected with ADGRA3-related conditions. ClinVar contains an entry for this variant (Variation ID: 1399493). In summary, the available evidence is currently insufficient to determine the role of this variant in disease. Therefore, it has been classified as a Variant of Uncertain Significance.

NM_145290.4(ADGRA3):c.2542C>T (p.Arg848Ter)

Gene: ADGRA3 (adhesion G protein-coupled receptor A3; minus strand). Cytogenetic location: 4p15.2.
Variant type: single nucleotide variant.
Coding change: c.2542C>T on transcript NM_145290.4 (MANE Select); coding-DNA position 2542, C replaced by T.
Protein change: p.Arg848Ter; replaces arginine 848 with a stop codon.
Molecular consequence: nonsense.
Genome position (GRCh38, 1-based): chr4:22,392,630, G>A on the plus strand (C>T on the coding strand, the complement: ADGRA3 is on the minus strand). VCF-style: chr4-22392630-G-A. GRCh37 (hg19) VCF-style: chr4-22394253-G-A.
Other names: short protein forms R848*.
Identifiers: ClinVar variation 1399493 (VCV001399493.6), dbSNP rs1714182212, ClinGen allele CA356476126.
Genomic context (GRCh38, chr4:22,392,630, plus strand): 5'-GTGGTTCATCAGGATCCTGGCATCTTTTAGCTTTTTTAGTGACTTGTTTGTAGATATTTC[G>A]AGCTGTCACTCCTACCCATAGTACTGTGGCAAGGGTGGAATAGTGAAGAATTATCCCAAC-3'